The following is an entry in ClinVar:

NM_020829.4(RIC1):c.1051A>G (p.Arg351Gly)

Gene: RIC1 (RIC1 homolog, RAB6A GEF complex partner 1; plus strand). Cytogenetic location: 9p24.1.
Variant type: single nucleotide variant.
Coding change: c.1051A>G on transcript NM_020829.4 (MANE Select); coding-DNA position 1051, A replaced by G.
Protein change: p.Arg351Gly; replaces arginine 351 with glycine.
Molecular consequence: missense variant.
Genome position (GRCh38, 1-based): chr9:5,743,693, A>G. VCF-style: chr9-5743693-A-G. GRCh37 (hg19) VCF-style: chr9-5743693-A-G.
Other names: c.1051A>G, p.Arg351Gly (NM_001135920.4, NM_001206557.2); short protein forms R351G.
Identifiers: ClinVar variation 3053964 (VCV003053964.2), dbSNP rs750573725, ClinGen allele CA4974466.

ClinVar aggregate classification (germline): Likely benign (0 of 4 stars; one submission).

Conditions:
RIC1-related disorder. Also called: RIC1-related condition.

Allele frequency attached by ClinVar (database versions not stated): gnomAD 0.00003; TOPMed 0.00014.
gnomAD v4.1: 65 of 1,605,274 alleles (0.004%); highest among the groups gnomAD compares: Admixed American, 0.11%; no homozygotes.

Submission:

PreventionGenetics, part of Exact Sciences
Classification: Likely benign for RIC1-related condition. Last evaluated: 2022-02-28. Review status: no assertion criteria provided. Collection method: clinical testing. Allele origin: germline.
Comment: This variant is classified as likely benign based on ACMG/AMP sequence variant interpretation guidelines (Richards et al. 2015 PMID: 25741868, with internal and published modifications).